The following is an entry in ClinVar:

ClinVar aggregate classification (germline): Uncertain significance. Review status: criteria provided, multiple submitters, no conflicts (2 of 4 stars). 2 submissions from 2 submitters: Uncertain significance (2). Last evaluated 2024-11-08.

Conditions:
Hyperkalemic periodic paralysis. Also called: Familial hyperkalemic periodic paralysis; Gamstorp disease. Identifiers: Orphanet 682, MedGen C0238357, MONDO:0008224, OMIM 170500, HP:0007215.

Allele frequency attached by ClinVar (database versions not stated): gnomAD exomes below 0.00001; TOPMed below 0.00001; gnomAD 0.00001.
gnomAD v4.1: 13 of 1,605,298 alleles (0.00081%); highest among the groups gnomAD compares: African/African-American, 0.0013%; no homozygotes.

Submissions (2):

Labcorp Genetics (formerly Invitae), Labcorp
Classification: Uncertain significance for Hyperkalemic periodic paralysis. Last evaluated: 2024-11-08. Review status: criteria provided, single submitter. Criteria: Invitae Variant Classification Sherloc (09022015). Collection method: clinical testing. Allele origin: germline.
Comment: This sequence change replaces arginine, which is basic and polar, with tryptophan, which is neutral and slightly polar, at codon 1337 of the SCN4A protein (p.Arg1337Trp). This variant is not present in population databases (gnomAD no frequency). This variant has not been reported in the literature in individuals affected with SCN4A-related conditions. ClinVar contains an entry for this variant (Variation ID: 391710). Invitae Evidence Modeling of protein sequence and biophysical properties (such as structural, functional, and spatial information, amino acid conservation, physicochemical variation, residue mobility, and thermodynamic stability) indicates that this missense variant is expected to disrupt SCN4A protein function with a positive predictive value of 80%. In summary, the available evidence is currently insufficient to determine the role of this variant in disease. Therefore, it has been classified as a Variant of Uncertain Significance.

GeneDx
Classification: Uncertain significance. Last evaluated: 2017-01-10. Review status: criteria provided, single submitter. Criteria: GeneDx Variant Classification (06012015). Collection method: clinical testing. Allele origin: germline. Affected: yes.
Comment: The R1337W variant in the SCN4A gene has not been reported previously as a pathogenic variant, nor as a benign variant, to our knowledge. The R1337W variant was not observed in approximately 6400 individuals of European and African American ancestry in the NHLBI Exome Sequencing Project, indicating it is not a common benign variant in these populations. The R1337W variant is a non-conservative amino acid substitution, which is likely to impact secondary protein structure as these residues differ in polarity, charge, size and/or other properties. This substitution occurs at a position that is conserved across species, and in silico analysis predicts this variant is probably damaging to the protein structure/function. A missense variant in the same residue, R1337P, has been reported in the heterozygous state in a patient with nondystrophic myotonia who was also heterozygous for a missense variant in the CLCN1 gene, which authors suggest had a modifying effect on the phenotype (Furby et al., 2014). We interpret R1337W as a variant of uncertain significance.

NM_000334.4(SCN4A):c.4009C>T (p.Arg1337Trp)

Genes: SCN4A (sodium voltage-gated channel alpha subunit 4; minus strand), GH-LCR (growth hormone locus control region; plus strand). Cytogenetic location: 17q23.3.
Variant type: single nucleotide variant.
Coding change: c.4009C>T on transcript NM_000334.4 (MANE Select); coding-DNA position 4009, C replaced by T.
Protein change: p.Arg1337Trp; replaces arginine 1337 with tryptophan.
Molecular consequence: missense variant.
Genome position (GRCh38, 1-based): chr17:63,943,754, G>A on the plus strand (C>T on the coding strand, the complement: SCN4A is on the minus strand). VCF-style: chr17-63943754-G-A. GRCh37 (hg19) VCF-style: chr17-62021114-G-A.
Other names: short protein forms R1337W.
Identifiers: ClinVar variation 391710 (VCV000391710.5), dbSNP rs779717594, ClinGen allele CA16608584.
Genomic context (GRCh38, chr17:63,943,754, plus strand): 5'-CTAGGCAGGAGCCTGGCAGCACACACAGGACAGGGGGCCCAGAGGTCTGTACCTGGGGCC[G>A]GGGAATTGGCTTCTGAGGCTTCTTGGAGCCAAGCTTCTTCATGGCGTTATAGTATTTCTT-3'
Protein context (NP_000325.4, residues 1327-1347): GSKKPQKPIP[Arg1337Trp]PQNKIQGMVY